The following is an entry in ClinVar:

NM_033004.4(NLRP1):c.3304T>C (p.Phe1102Leu)

Gene: NLRP1 (NLR family pyrin domain containing 1; minus strand). Cytogenetic location: 17p13.2.
Variant type: single nucleotide variant.
Coding change: c.3304T>C on transcript NM_033004.4 (MANE Select); coding-DNA position 3304, T replaced by C.
Protein change: p.Phe1102Leu; replaces phenylalanine 1102 with leucine.
Molecular consequence: missense variant.
Genome position (GRCh38, 1-based): chr17:5,530,697, A>G on the plus strand (T>C on the coding strand, the complement: NLRP1 is on the minus strand). VCF-style: chr17-5530697-A-G. GRCh37 (hg19) VCF-style: chr17-5434017-A-G.
Other names: c.3316T>C, p.Phe1106Leu (NM_001033053.3); c.3304T>C, p.Phe1102Leu (NM_014922.5); c.3214T>C, p.Phe1072Leu (NM_033006.4, NM_033007.4); short protein forms F1072L, F1102L, F1106L.
Identifiers: ClinVar variation 4798897 (VCV004798897.1).

ClinVar aggregate classification (germline): Uncertain significance (1 of 4 stars; one submission).

Submission:

Labcorp Genetics (formerly Invitae), Labcorp
Classification: Uncertain significance. Last evaluated: 2025-05-23. Review status: criteria provided, single submitter. Criteria: Invitae Variant Classification Sherloc (09022015). Collection method: clinical testing. Allele origin: germline.
Comment: This sequence change replaces phenylalanine, which is neutral and non-polar, with leucine, which is neutral and non-polar, at codon 1102 of the NLRP1 protein (p.Phe1102Leu). This variant is not present in population databases (gnomAD no frequency). This variant has not been reported in the literature in individuals affected with NLRP1-related conditions. An algorithm developed to predict the effect of missense changes on protein structure and function outputs the following: PolyPhen-2: "Benign". The leucine amino acid residue is found in multiple mammalian species, which suggests that this missense change does not adversely affect protein function. In summary, the available evidence is currently insufficient to determine the role of this variant in disease. Therefore, it has been classified as a Variant of Uncertain Significance.